The following is an entry in ClinVar:

ClinVar aggregate classification (germline): Likely benign (1 of 4 stars; one submission).

Conditions:
KIF12-related disorder. Also called: KIF12-related condition.

Submission:

PreventionGenetics, part of Exact Sciences
Classification: Likely benign for KIF12-related condition. Last evaluated: 2026-09-22. Review status: criteria provided, single submitter. Criteria: ACMG Guidelines, 2015. Collection method: clinical testing. Allele origin: germline.
Comment: This variant is classified as likely benign based on ACMG/AMP sequence variant interpretation guidelines (Richards et al. 2015 PMID: 25741868, with internal and published modifications).

NM_001388308.1(KIF12):c.1623C>G (p.Gly541=)

Gene: KIF12 (kinesin family member 12; minus strand). Cytogenetic location: 9q32.
Variant type: single nucleotide variant.
Coding change: c.1623C>G on transcript NM_001388308.1 (MANE Select); coding-DNA position 1623, C replaced by G.
Protein change: p.Gly541=; no amino-acid change (glycine 541 retained).
Molecular consequence: synonymous variant.
Genome position (GRCh38, 1-based): chr9:114,092,616, G>C on the plus strand (C>G on the coding strand, the complement: KIF12 is on the minus strand). VCF-style: chr9-114092616-G-C. GRCh37 (hg19) VCF-style: chr9-116854896-G-C.
Other names: c.1209C>G, p.Gly403= (NM_138424.2).
Identifiers: ClinVar variation 4993244 (VCV004993244.1).